The following is an entry in ClinVar:

NM_032043.3(BRIP1):c.1717C>G (p.Leu573Val)

Gene: BRIP1 (BRCA1 interacting DNA helicase 1; minus strand). Cytogenetic location: 17q23.2.
Variant type: single nucleotide variant.
Coding change: c.1717C>G on transcript NM_032043.3 (MANE Select); coding-DNA position 1717, C replaced by G.
Protein change: p.Leu573Val; replaces leucine 573 with valine.
Molecular consequence: missense variant.
Genome position (GRCh38, 1-based): chr17:61,780,917, G>C on the plus strand (C>G on the coding strand, the complement: BRIP1 is on the minus strand). VCF-style: chr17-61780917-G-C. GRCh37 (hg19) VCF-style: chr17-59858278-G-C.
Other names: short protein forms L573V.
Identifiers: ClinVar variation 185954 (VCV000185954.23), dbSNP rs786202587, ClinGen allele CA193483.

ClinVar aggregate classification (germline): Conflicting classifications of pathogenicity. Review status: criteria provided, conflicting classifications (1 of 4 stars). 5 submissions from 5 submitters: Uncertain significance (4); Likely benign (1). Last evaluated 2026-07-27.

Conditions:
Hereditary cancer-predisposing syndrome. Also called: Neoplastic Syndromes, Hereditary; Hereditary Cancer Syndrome; Tumor predisposition; Hereditary neoplastic syndrome. Identifiers: Orphanet 140162, MedGen C0027672, MeSH D009386, MONDO:0015356.
Familial cancer of breast. Also called: Hereditary breast cancer; BREAST CANCER, FAMILIAL; hereditary breast carcinoma. Identifiers: Orphanet 227535, MedGen C0346153, MONDO:0016419, OMIM 114480. Disease mechanism: loss of function.
Fanconi anemia complementation group J. Also called: BRIP1-Related Fanconi Anemia. Identifiers: Orphanet 84, MedGen C1836860, MONDO:0012187, OMIM 609054.
Hereditary breast ovarian cancer syndrome. Also called: Hereditary breast and/or ovarian cancer syndrome; Hereditary breast and ovarian cancer syndrome (HBOC); Hereditary breast and ovarian cancer; Hereditary breast and ovarian cancer syndrome; Breast and ovarian cancer; BRCA1- and BRCA2-Associated Hereditary Breast and Ovarian Cancer. Identifiers: Orphanet 145, MedGen C0677776, MeSH D061325, MONDO:0003582. Disease mechanism: loss of function.

Allele frequency attached by ClinVar (database versions not stated): gnomAD exomes 0.00001 and below 0.00001; TOPMed 0.00001.
gnomAD v4.1: 6 of 1,614,068 alleles (0.00037%); highest among the groups gnomAD compares: Non-Finnish European, 0.00051%; no homozygotes.

Submissions (5):

Ambry Genetics
Classification: Likely benign for Hereditary cancer-predisposing syndrome. Last evaluated: 2026-07-27. Review status: criteria provided, single submitter. Criteria: Ambry Variant Classification Scheme 2023. Collection method: clinical testing. Allele origin: germline.

Labcorp Genetics (formerly Invitae), Labcorp
Classification: Uncertain significance for Familial cancer of breast; Fanconi anemia complementation group J. Last evaluated: 2025-12-14. Review status: criteria provided, single submitter. Criteria: Invitae Variant Classification Sherloc (09022015). Collection method: clinical testing. Allele origin: germline.
Comment: This sequence change replaces leucine, which is neutral and non-polar, with valine, which is neutral and non-polar, at codon 573 of the BRIP1 protein (p.Leu573Val). This variant is present in population databases (rs786202587, gnomAD 0.002%). This variant has not been reported in the literature in individuals affected with BRIP1-related conditions. ClinVar contains an entry for this variant (Variation ID: 185954). Invitae Evidence Modeling of protein sequence and biophysical properties (such as structural, functional, and spatial information, amino acid conservation, physicochemical variation, residue mobility, and thermodynamic stability) indicates that this missense variant is not expected to disrupt BRIP1 protein function with a negative predictive value of 95%. In summary, the available evidence is currently insufficient to determine the role of this variant in disease. Therefore, it has been classified as a Variant of Uncertain Significance.

Color Diagnostics, LLC DBA Color Health
Classification: Uncertain significance for Hereditary cancer-predisposing syndrome. Last evaluated: 2023-11-01. Review status: criteria provided, single submitter. Criteria: ACMG Guidelines, 2015. Collection method: clinical testing. Allele origin: germline.
Comment: This missense variant replaces leucine with valine at codon 573 of the BRIP1 protein. Computational prediction suggests that this variant may not impact protein structure and function. To our knowledge, functional studies have not been reported for this variant. This variant has not been reported in individuals affected with hereditary cancer in the literature. This variant has been identified in 2/251412 chromosomes in the general population by the Genome Aggregation Database (gnomAD). The available evidence is insufficient to determine the role of this variant in disease conclusively. Therefore, this variant is classified as a Variant of Uncertain Significance.

GeneDx
Classification: Uncertain significance. Last evaluated: 2021-06-23. Review status: criteria provided, single submitter. Criteria: GeneDx Variant Classification Process June 2021. Collection method: clinical testing. Allele origin: germline. Affected: yes.
Comment: Observed in individuals with ovarian cancer (Ramus 2015); Not observed at significant frequency in large population cohorts (Lek et al., 2016); In silico analysis, which includes protein predictors and evolutionary conservation, supports that this variant does not alter protein structure/function; This variant is associated with the following publications: (PMID: 27535533, 26315354)

Department of Pathology and Laboratory Medicine, Sinai Health System
Classification: Uncertain significance for Hereditary breast ovarian cancer syndrome. Last evaluated: 2020-05-13. Review status: criteria provided, single submitter. Criteria: ACMG Guidelines, 2015. Collection method: clinical testing. Allele origin: germline. Affected: yes.